The following is an entry in ClinVar:

ClinVar aggregate classification (germline): Benign. Review status: criteria provided, multiple submitters, no conflicts (2 of 4 stars). 13 submissions from 13 submitters: Benign (10). 3 of the submissions do not count toward it. Last evaluated 2026-02-04.

Conditions:
Cardiovascular phenotype. Identifiers: MedGen CN230736.
Hypertrophic cardiomyopathy 15. Identifiers: MedGen C2750459, MONDO:0013200, OMIM 613255.
Dilated cardiomyopathy 1W (CMD1W). Identifiers: Orphanet 154, MedGen C1969639, MONDO:0012667, OMIM 611407.
Cardiomyopathy (CMYO). Also called: Cardiomyopathies. Identifiers: Orphanet 167848, MedGen C0878544, MONDO:0004994, HP:0001638. Inheritance: Various modes of inheritance.

Allele frequency attached by ClinVar (database versions not stated): gnomAD exomes 0.00043 and 0.00123; ExAC 0.00143; gnomAD 0.00435 and 0.00466; ESP Exome Variant Server 0.00438; TOPMed 0.00459; 1000 Genomes Project 0.00679; 1000 Genomes Project 30x 0.00703.
gnomAD v4.1: 1,316 of 1,614,016 alleles (0.082%); highest among the groups gnomAD compares: African/African-American, 1.6%; 10 homozygotes.

Submissions (13):

Labcorp Genetics (formerly Invitae), Labcorp
Classification: Benign for Dilated cardiomyopathy 1W. Last evaluated: 2026-02-04. Review status: criteria provided, single submitter. Criteria: Invitae Variant Classification Sherloc (09022015). Collection method: clinical testing. Allele origin: germline.

Molecular Diagnostic Laboratory for Inherited Cardiovascular Disease, Montreal Heart Institute
Classification: Benign. Last evaluated: 2025-04-09. Review status: criteria provided, single submitter. Criteria: ACMG Guidelines, 2015. Collection method: clinical testing. Allele origin: germline. Affected: no.

ARUP Laboratories, Molecular Genetics and Genomics, ARUP Laboratories
Classification: Benign. Last evaluated: 2024-05-15. Review status: criteria provided, single submitter. Criteria: ARUP Molecular Germline Variant Investigation Process 2024. Collection method: clinical testing. Allele origin: germline.

Fulgent Genetics
Classification: Benign for Dilated cardiomyopathy 1W; Hypertrophic cardiomyopathy 15. Last evaluated: 2021-09-20. Review status: criteria provided, single submitter. Criteria: ACMG Guidelines, 2015. Collection method: clinical testing. Allele origin: unknown.

Mayo Clinic Laboratories, Mayo Clinic
Classification: Benign. Last evaluated: 2019-03-21. Review status: criteria provided, single submitter. Criteria: ACMG Guidelines, 2015. Collection method: clinical testing. Allele origin: germline. Observed: 8 variant alleles.

Women's Health and Genetics/Laboratory Corporation of America, LabCorp
Classification: Benign. Last evaluated: 2018-03-06. Review status: criteria provided, single submitter. Criteria: LabCorp Variant Classification Summary - May 2015. Collection method: clinical testing. Allele origin: germline.
Comment: Variant summary: VCL c.1557C>A alters a non-conserved nucleotide resulting in a synonymous change. 5/5 computational tools predict no significant impact on normal splicing. However, these predictions have yet to be confirmed by functional studies. The variant allele was found at a frequency of 0.0022 in 277816 control chromosomes in the gnomAD database and literature, including 4 homozygotes. The observed variant frequency is approximately 87.11 fold of the estimated maximal expected allele frequency for a pathogenic variant in VCL causing Cardiomyopathy phenotype (2.5e-05), strongly suggesting that the variant is benign. c.1557C>A has been reported in the literature in one individual affected with palpitations (Campuzano_2012). This report does not provide unequivocal conclusions about association of the variant with Cardiomyopathy. To our knowledge, no experimental evidence demonstrating an impact on protein function has been reported. Two clinical diagnostic laboratories have submitted clinical-significance assessments for this variant to ClinVar after 2014 without evidence for independent evaluation. All laboratories classified the variant as benign. Based on the evidence outlined above, the variant was classified as benign.

CHEO Genetics Diagnostic Laboratory, Children's Hospital of Eastern Ontario
Classification: Benign for Cardiomyopathy. Last evaluated: 2016-10-11. Review status: criteria provided, single submitter. Criteria: ACMG Guidelines, 2015. Collection method: clinical testing. Allele origin: germline. Study: Canadian Open Genetics Repository.

Ambry Genetics
Classification: Benign for Cardiovascular phenotype. Last evaluated: 2015-10-23. Review status: criteria provided, single submitter. Criteria: Ambry Variant Classification Scheme 2023. Collection method: clinical testing. Allele origin: germline.

GeneDx
Classification: Benign. Last evaluated: 2013-03-11. Review status: criteria provided, single submitter. Criteria: GeneDx Variant Classification (06012015). Collection method: clinical testing. Allele origin: germline. Affected: yes.
Comment: This variant is considered likely benign or benign based on one or more of the following criteria: it is a conservative change, it occurs at a poorly conserved position in the protein, it is predicted to be benign by multiple in silico algorithms, and/or has population frequency not consistent with disease.

Laboratory for Molecular Medicine, Mass General Brigham Personalized Medicine
Classification: Benign. Last evaluated: 2012-04-17. Review status: criteria provided, single submitter. Criteria: LMM Criteria. Collection method: clinical testing. Allele origin: germline. Observed: 11 variant alleles.
Comment: Ile519Ile in Exon 12 of VCL: This variant is not expected to have clinical signi ficance because it does not alter an amino acid residue, is not located within t he splice consensus sequence and has been identified in 1.3% (49/3738) of Africa n American chromosomes from a broad population by the NHLBI Exome Sequencing Pro ject (dbSNP rs150120464).

Clinical Genetics DNA and cytogenetics Diagnostics Lab, Erasmus MC, Erasmus Medical Center
Classification: Benign. Review status: no assertion criteria provided. Collection method: clinical testing. Allele origin: germline. Affected: yes. Study: VKGL Data-share Consensus. Not counted in ClinVar's aggregate classification.

Clinical Genetics, Academic Medical Center
Classification: Benign. Review status: no assertion criteria provided. Collection method: clinical testing. Allele origin: germline. Affected: yes. Study: VKGL Data-share Consensus. Not counted in ClinVar's aggregate classification.

Joint Genome Diagnostic Labs from Nijmegen and Maastricht, Radboudumc and MUMC+
Classification: Benign. Review status: no assertion criteria provided. Collection method: clinical testing. Allele origin: germline. Affected: yes. Study: VKGL Data-share Consensus. Not counted in ClinVar's aggregate classification.

Literature cited by the submitters: PubMed 22421524 (cited by Women's Health and Genetics/Laboratory Corporation of America, LabCorp).

NM_014000.3(VCL):c.1557C>A (p.Ile519=)

Gene: VCL (vinculin; plus strand). Cytogenetic location: 10q22.2.
Variant type: single nucleotide variant.
Coding change: c.1557C>A on transcript NM_014000.3 (MANE Select); coding-DNA position 1557, C replaced by A.
Protein change: p.Ile519=; no amino-acid change (isoleucine 519 retained).
Molecular consequence: synonymous variant.
Genome position (GRCh38, 1-based): chr10:74,095,669, C>A. VCF-style: chr10-74095669-C-A. GRCh37 (hg19) VCF-style: chr10-75855427-C-A.
Other names: p.I519I:ATC>ATA; p.Ile519=; c.1557C>A, p.Ile519= (NM_003373.4).
Identifiers: ClinVar variation 45583 (VCV000045583.39), dbSNP rs150120464, ClinGen allele CA136706.